The following is an entry in ClinVar:

ClinVar aggregate classification (germline): Likely benign. Review status: criteria provided, multiple submitters, no conflicts (2 of 4 stars). 3 submissions from 3 submitters: Likely benign (3). Last evaluated 2025-03-27.

Conditions:
Baraitser-winter syndrome 2. Identifiers: Orphanet 2995, MedGen C3281235, MONDO:0013812, OMIM 614583.
Autosomal dominant nonsyndromic hearing loss 20. Identifiers: Orphanet 90635, MedGen C1858172, MONDO:0011480, OMIM 604717.

Allele frequency attached by ClinVar (database versions not stated): gnomAD 0.00003; TOPMed 0.00006; gnomAD exomes 0.00007; ExAC 0.00008.

Submissions (3):

Labcorp Genetics (formerly Invitae), Labcorp
Classification: Likely benign for Baraitser-winter syndrome 2; Autosomal dominant nonsyndromic hearing loss 20. Last evaluated: 2025-03-27. Review status: criteria provided, single submitter. Criteria: Invitae Variant Classification Sherloc (09022015). Collection method: clinical testing. Allele origin: germline.

Blueprint Genetics
Classification: Likely benign. Last evaluated: 2024-09-06. Review status: criteria provided, single submitter. Criteria: ACMG Guidelines, 2015. Collection method: clinical testing. Allele origin: germline.

GeneDx
Classification: Likely benign. Last evaluated: 2018-05-31. Review status: criteria provided, single submitter. Criteria: GeneDx Variant Classification (06012015). Collection method: clinical testing. Allele origin: germline. Affected: yes.
Comment: This variant is considered likely benign or benign based on one or more of the following criteria: it is a conservative change, it occurs at a poorly conserved position in the protein, it is predicted to be benign by multiple in silico algorithms, and/or has population frequency not consistent with disease.

NM_001614.5(ACTG1):c.802+20G>A

Gene: ACTG1 (actin gamma 1; minus strand). Cytogenetic location: 17q25.3.
Variant type: single nucleotide variant.
Coding change: c.802+20G>A on transcript NM_001614.5 (MANE Select); 20 bases into the intron after coding-DNA position 802, G replaced by A.
Molecular consequence: intron variant.
Genome position (GRCh38, 1-based): chr17:81,511,168, C>T on the plus strand (G>A on the coding strand, the complement: ACTG1 is on the minus strand). VCF-style: chr17-81511168-C-T. GRCh37 (hg19) VCF-style: chr17-79478194-C-T.
Other names: c.802+20G>A (NM_001199954.3).
Identifiers: ClinVar variation 561853 (VCV000561853.8), dbSNP rs782239781, ClinGen allele CA8835984.